The following is an entry in ClinVar:

NM_001112704.2(VAX1):c.21A>C (p.Lys7Asn)

Gene: VAX1 (ventral anterior homeobox 1; minus strand). Cytogenetic location: 10q25.3.
Variant type: single nucleotide variant.
Coding change: c.21A>C on transcript NM_001112704.2 (MANE Select); coding-DNA position 21, A replaced by C.
Protein change: p.Lys7Asn; replaces lysine 7 with asparagine.
Molecular consequence: missense variant.
Genome position (GRCh38, 1-based): chr10:117,138,036, T>G on the plus strand (A>C on the coding strand, the complement: VAX1 is on the minus strand). VCF-style: chr10-117138036-T-G. GRCh37 (hg19) VCF-style: chr10-118897547-T-G.
Other names: c.21A>C, p.Lys7Asn (NM_199131.3); short protein forms K7N.
Identifiers: ClinVar variation 3467728 (VCV003467728.1).

ClinVar aggregate classification (germline): Uncertain significance (1 of 4 stars; one submission).

Submission:

Ambry Genetics
Classification: Uncertain significance. Last evaluated: 2024-08-05. Review status: criteria provided, single submitter. Criteria: Ambry Variant Classification Scheme 2023. Collection method: clinical testing. Allele origin: germline.
Comment: Does not currently meet published gene-disease clinical validity criteria Based on insufficient or conflicting evidence, the clinical significance of this alteration remains unclear.

Literature cited by the submitters: PubMed 28106320.